The following is an entry in ClinVar:

ClinVar aggregate classification (germline): Conflicting classifications of pathogenicity. Review status: criteria provided, conflicting classifications (1 of 4 stars). 6 submissions from 6 submitters: Uncertain significance (4); Likely benign (2). Last evaluated 2026-06-10.

Conditions:
Dilated cardiomyopathy 1G (CMD1G). Identifiers: Orphanet 154, MedGen C1858763, MONDO:0011400, OMIM 604145.
Autosomal recessive limb-girdle muscular dystrophy type 2J (LGMDR10). Also called: Limb-girdle muscular dystrophy, type 2J; MUSCULAR DYSTROPHY, LIMB-GIRDLE, AUTOSOMAL RECESSIVE 10. Identifiers: Orphanet 140922, MedGen C1837342, MONDO:0012127, OMIM 608807.
TTN-related disorder. Also called: TTN-related disorders; TTN-related condition; TTN-related disease.

Allele frequency attached by ClinVar (database versions not stated): ExAC 0.00001; gnomAD 0.00001; gnomAD exomes 0.00001 and 0.00003; TOPMed 0.00002.
gnomAD v4.1: 18 of 1,613,670 alleles (0.0011%); highest among the groups gnomAD compares: Admixed American, 0.0033%; no homozygotes.

Submissions (6):

PreventionGenetics, part of Exact Sciences
Classification: Uncertain significance for TTN-related condition. Last evaluated: 2026-06-10. Review status: criteria provided, single submitter. Criteria: ACMG Guidelines, 2015. Collection method: clinical testing. Allele origin: germline.
Comment: The TTN c.87001G>A variant is predicted to result in the amino acid substitution p.Val29001Ile. To our knowledge, this variant has not been reported in the literature. This variant is reported in 0.0097% of alleles in individuals of Ashkenazi Jewish descent in gnomAD. At this time, the clinical significance of this variant is uncertain due to the absence of conclusive functional and genetic evidence.

CeGaT Center for Human Genetics Tuebingen
Classification: Uncertain significance. Last evaluated: 2024-07-01. Review status: criteria provided, single submitter. Criteria: CeGaT Center For Human Genetics Tuebingen Variant Classification Criteria Version 2. Collection method: clinical testing. Allele origin: germline. Affected: yes. Observed: 1 variant allele.
Comment: TTN: PM2, BP4

Blueprint Genetics
Classification: Likely benign. Last evaluated: 2024-02-14. Review status: criteria provided, single submitter. Criteria: ACMG Guidelines, 2015. Collection method: clinical testing. Allele origin: germline.

GeneDx
Classification: Likely benign. Last evaluated: 2020-10-08. Review status: criteria provided, single submitter. Criteria: GeneDx Variant Classification Process June 2021. Collection method: clinical testing. Allele origin: germline. Affected: yes.

Revvity Omics, Revvity
Classification: Uncertain significance. Last evaluated: 2020-08-20. Review status: criteria provided, single submitter. Criteria: ACMG Guidelines, 2015. Collection method: clinical testing. Allele origin: germline.

Labcorp Genetics (formerly Invitae), Labcorp
Classification: Uncertain significance for Dilated cardiomyopathy 1G; Autosomal recessive limb-girdle muscular dystrophy type 2J. Last evaluated: 2017-06-27. Review status: criteria provided, single submitter. Criteria: Invitae Variant Classification Sherloc (09022015). Collection method: clinical testing. Allele origin: germline.

NM_001267550.2(TTN):c.87001G>A (p.Val29001Ile)

Genes: TTN (titin; minus strand), TTN-AS1 (TTN antisense RNA 1; plus strand). Cytogenetic location: 2q31.2.
Variant type: single nucleotide variant.
Coding change: c.87001G>A on transcript NM_001267550.2 (MANE Select); coding-DNA position 87001, G replaced by A.
Protein change: p.Val29001Ile; replaces valine 29001 with isoleucine.
Molecular consequence: missense variant.
Genome position (GRCh38, 1-based): chr2:178,558,458, C>T on the plus strand (G>A on the coding strand, the complement: TTN is on the minus strand). VCF-style: chr2-178558458-C-T. GRCh37 (hg19) VCF-style: chr2-179423185-C-T.
Other names: c.82078G>A, p.Val27360Ile (NM_001256850.1); c.59806G>A, p.Val19936Ile (NM_003319.4); c.79297G>A, p.Val26433Ile (NM_133378.4); c.60181G>A, p.Val20061Ile (NM_133432.3); c.60382G>A, p.Val20128Ile (NM_133437.4); short protein forms V29001I, V20061I, V20128I, V19936I, V27360I, V26433I.
Identifiers: ClinVar variation 467590 (VCV000467590.26), dbSNP rs750591986, ClinGen allele CA1988393.